The following is an entry in ClinVar:

ClinVar aggregate classification (germline): Uncertain significance. Review status: criteria provided, multiple submitters, no conflicts (2 of 4 stars). 3 submissions from 3 submitters: Uncertain significance (3). Last evaluated 2024-06-06.

Conditions:
Melorheostosis (MEL). Also called: MELORHEOSTOSIS, ISOLATED. Identifiers: Orphanet 2485, MedGen C3149631, MONDO:0007970, OMIM 155950, HP:6000817.
Cardiofaciocutaneous syndrome 3 (CFC3). Also called: MAP2K1-Related Cardiofaciocutaneous Syndrome. Identifiers: Orphanet 1340, MedGen C3809006, MONDO:0014113, OMIM 615279.
RASopathy. Also called: Noonan spectrum disorder; rasopathies. Identifiers: Orphanet 536391, MedGen C5555857, MONDO:0021060.

gnomAD v4.1: 3 of 1,613,666 alleles (0.00019%); highest among the groups gnomAD compares: African/African-American, 0.0027%; no homozygotes.

Submissions (3):

Labcorp Genetics (formerly Invitae), Labcorp
Classification: Uncertain significance for RASopathy. Last evaluated: 2024-06-06. Review status: criteria provided, single submitter. Criteria: Invitae Variant Classification Sherloc (09022015). Collection method: clinical testing. Allele origin: germline.
Comment: This sequence change replaces threonine, which is neutral and polar, with serine, which is neutral and polar, at codon 292 of the MAP2K1 protein (p.Thr292Ser). This variant is not present in population databases (gnomAD no frequency). This missense change has been observed in individual(s) with clinical features of cardio-facio-cutaneous syndrome (PMID: 26918529). ClinVar contains an entry for this variant (Variation ID: 44593). Advanced modeling of protein sequence and biophysical properties (such as structural, functional, and spatial information, amino acid conservation, physicochemical variation, residue mobility, and thermodynamic stability) performed at Invitae indicates that this missense variant is not expected to disrupt MAP2K1 protein function with a negative predictive value of 80%. In summary, the available evidence is currently insufficient to determine the role of this variant in disease. Therefore, it has been classified as a Variant of Uncertain Significance.

Fulgent Genetics
Classification: Uncertain significance for Melorheostosis; Cardiofaciocutaneous syndrome 3. Last evaluated: 2024-01-09. Review status: criteria provided, single submitter. Criteria: ACMG Guidelines, 2015. Collection method: clinical testing. Allele origin: germline.

Laboratory for Molecular Medicine, Mass General Brigham Personalized Medicine
Classification: Uncertain significance. Last evaluated: 2015-06-16. Review status: criteria provided, single submitter. Criteria: LMM Criteria. Collection method: clinical testing. Allele origin: germline. Observed: 1 variant allele.
Comment: proposed classification - variant undergoing re-assessment, contact laboratory

Literature cited by the submitters: PubMed 26918529 (cited by Labcorp Genetics (formerly Invitae), Labcorp).

NM_002755.4(MAP2K1):c.875C>G (p.Thr292Ser)

Gene: MAP2K1 (mitogen-activated protein kinase kinase 1; plus strand). Cytogenetic location: 15q22.31.
Variant type: single nucleotide variant.
Coding change: c.875C>G on transcript NM_002755.4 (MANE Select); coding-DNA position 875, C replaced by G.
Protein change: p.Thr292Ser; replaces threonine 292 with serine.
Molecular consequence: missense variant.
Genome position (GRCh38, 1-based): chr15:66,485,171, C>G. VCF-style: chr15-66485171-C-G. GRCh37 (hg19) VCF-style: chr15-66777509-C-G.
Other names: short protein forms T292S.
Identifiers: ClinVar variation 44593 (VCV000044593.12), dbSNP rs397516794, ClinGen allele CA134625.